The following is an entry in ClinVar:

NM_016553.5(NUP62):c.192C>T (p.Thr64=)

Genes: IL4I1 (interleukin 4 induced 1; minus strand), NUP62 (nucleoporin 62; minus strand). Cytogenetic location: 19q13.33.
Variant type: single nucleotide variant.
Coding change: c.192C>T on transcript NM_016553.5 (MANE Select); coding-DNA position 192, C replaced by T.
Protein change: p.Thr64=; no amino-acid change (threonine 64 retained).
Molecular consequence: synonymous variant. On other transcripts: intron variant (3).
Genome position (GRCh38, 1-based): chr19:49,909,616, G>A on the plus strand (C>T on the coding strand, the complement: NUP62 is on the minus strand). VCF-style: chr19-49909616-G-A. GRCh37 (hg19) VCF-style: chr19-50412873-G-A.
Other names: c.192C>T, p.Thr64= (NM_001193357.2, NM_012346.5, NM_153718.4 and 1 more transcripts); c.-227-5295C>T (NM_001258017.2, NM_172374.3); c.-285-5295C>T (NM_001258018.2).
Identifiers: ClinVar variation 211764 (VCV000211764.18), dbSNP rs145084636, ClinGen allele CA208242.
Genomic context (GRCh38, chr19:49,909,616, plus strand): 5'-CCCCGAAGCAAGAGTCGCTGTTCCAAAAGTGAAGCCTGTCGTCTGTGTGGCCGGAGTCTG[G>A]GTGGCAAGTGAGAACAGGCCGGTGGAAGGGGTACTTGTGGCTGGTTGGAAGGGAGCCCCA-3'
Protein context (NP_057637.2, residues 54-74): TPSTGLFSLA[Thr64=]QTPATQTTGF

ClinVar aggregate classification (germline): Conflicting classifications of pathogenicity. Review status: criteria provided, conflicting classifications (1 of 4 stars). 4 submissions from 4 submitters: Uncertain significance (1); Benign (1); Likely benign (1). 1 of the submissions does not count toward it. Last evaluated 2026-01-05.

Conditions:
NUP62-related disorder. Also called: NUP62-related condition.

Allele frequency attached by ClinVar (database versions not stated): 1000 Genomes Project 0.00140; gnomAD exomes 0.00265; ExAC 0.00291; ESP Exome Variant Server 0.00246; TOPMed 0.00226; gnomAD 0.00228.
gnomAD v4.1: 6,184 of 1,613,390 alleles (0.38%); highest among the groups gnomAD compares: Non-Finnish European, 0.49%; 15 homozygotes.

Submissions (4):

Labcorp Genetics (formerly Invitae), Labcorp
Classification: Benign. Last evaluated: 2026-01-05. Review status: criteria provided, single submitter. Criteria: Invitae Variant Classification Sherloc (09022015). Collection method: clinical testing. Allele origin: germline.

Blueprint Genetics
Classification: Likely benign. Last evaluated: 2024-11-21. Review status: criteria provided, single submitter. Criteria: ACMG Guidelines, 2015. Collection method: clinical testing. Allele origin: germline.

Genetic Services Laboratory, University of Chicago
Classification: Uncertain significance. Last evaluated: 2014-06-27. Review status: criteria provided, single submitter. Criteria: ACMG Guidelines, 2015. Collection method: clinical testing. Allele origin: germline.

PreventionGenetics, part of Exact Sciences
Classification: Likely benign for NUP62-related condition. Last evaluated: 2019-06-26. Review status: no assertion criteria provided. Collection method: clinical testing. Allele origin: germline. Not counted in ClinVar's aggregate classification.
Comment: This variant is classified as likely benign based on ACMG/AMP sequence variant interpretation guidelines (Richards et al. 2015 PMID: 25741868, with internal and published modifications).